The following is an entry in ClinVar:

ClinVar aggregate classification (germline): Pathogenic/Likely pathogenic. Review status: criteria provided, multiple submitters, no conflicts (2 of 4 stars). 3 submissions from 3 submitters: Pathogenic (2); Likely pathogenic (1). Last evaluated 2026-02-20.

Conditions:
Deficiency of UDPglucose-hexose-1-phosphate uridylyltransferase. Also called: GALACTOSEMIA I; GALACTOSE-1-PHOSPHATE URIDYLYLTRANSFERASE DEFICIENCY; GALT deficiency; Galactosemia, classic; Transferase Deficiency Galactosemia. Identifiers: Orphanet 352, Orphanet 79239, MedGen C0268151, MONDO:0009258, OMIM 230400.
Galactosemia. Also called: Galactose intolerance. Identifiers: Orphanet 352, MedGen C0016952, MONDO:0018116, HP:0004919. Disease mechanism: loss of function.

Submissions (3):

Myriad Genetics, Inc.
Classification: Pathogenic for Deficiency of UDPglucose-hexose-1-phosphate uridylyltransferase. Last evaluated: 2026-02-20. Review status: criteria provided, single submitter. Criteria: Myriad Autosomal Dominant, Autosomal Recessive and X-Linked Classification Criteria (2023). Collection method: clinical testing. Allele origin: unknown.
Comment: NM_000155.3(GALT):c.792_793insG(P265Afs*2) is expected to be pathogenic in the context of galactosemia. This variant is predicted to lead to an abnormal or absent protein product due to the creation of a premature termination codon in GALT, a gene where loss-of-function variants are known to be pathogenic. Please note: this variant was assessed in the context of healthy population screening.

Natera, Inc.
Classification: Likely pathogenic for Galactosemia. Last evaluated: 2026-01-14. Review status: criteria provided, single submitter. Criteria: Natera Variant Classification Schema (03/2026). Collection method: clinical testing. Allele origin: germline.
Comment: The c.792_793insG variant in GALT is a frameshift variant predicted to shift the reading frame beginning at codon 265 and leads to a stop codon 2 codons downstream. This variant is expected to result in nonsense mediated decay, truncation, or a dysfunctional protein product. This variant is rare in the general population with a frequency below the threshold expected for the associated phenotype(s). Given the available evidence, this variant is classified as Likely Pathogenic.

Department of Pathology and Laboratory Medicine, Sinai Health System
Classification: Pathogenic for Deficiency of UDPglucose-hexose-1-phosphate uridylyltransferase. Last evaluated: 2023-10-25. Review status: criteria provided, single submitter. Criteria: ACMG Guidelines, 2015. Collection method: research. Allele origin: germline.

NM_000155.4(GALT):c.792_793insG (p.Pro265fs)

Gene: GALT (galactose-1-phosphate uridylyltransferase; plus strand). Cytogenetic location: 9p13.3.
Variant type: Insertion.
Coding change: c.792_793insG on transcript NM_000155.4 (MANE Select); coding-DNA positions 792 to 793, G inserted.
Protein change: p.Pro265fs; shifts the reading frame from proline 265.
Molecular consequence: frameshift variant.
Genome position: GRCh38 VCF-style: chr9-34648866-A-AG. GRCh37 (hg19) VCF-style: chr9-34648863-A-AG.
Other names: c.465_466insG, p.Pro156fs (NM_001258332.2); c.792_793insG (NM_000155.3); short protein forms P265fs, P156fs.
Identifiers: ClinVar variation 3893038 (VCV003893038.3).